The following is an entry in ClinVar:

ClinVar aggregate classification (germline): Uncertain significance (1 of 4 stars; one submission).

Conditions:
Long QT syndrome (LQTS). Identifiers: MedGen C0023976, MeSH D008133, MONDO:0002442. Disease mechanism: loss of function. Inheritance: Various modes of inheritance.

Submission:

Labcorp Genetics (formerly Invitae), Labcorp
Classification: Uncertain significance for Long QT syndrome. Last evaluated: 2020-09-09. Review status: criteria provided, single submitter. Criteria: Invitae Variant Classification Sherloc (09022015). Collection method: clinical testing. Allele origin: germline.
Comment: In summary, the available evidence is currently insufficient to determine the role of this variant in disease. Therefore, it has been classified as a Variant of Uncertain Significance. Algorithms developed to predict the effect of sequence changes on RNA splicing suggest that this variant may create or strengthen a splice site, but this prediction has not been confirmed by published transcriptional studies. Algorithms developed to predict the effect of missense changes on protein structure and function are either unavailable or do not agree on the potential impact of this missense change (SIFT: "Deleterious"; PolyPhen-2: "Probably Damaging"; Align-GVGD: "Class C0"). This variant has not been reported in the literature in individuals with CACNA1C-related conditions. This variant is not present in population databases (ExAC no frequency). This sequence change replaces alanine with valine at codon 415 of the CACNA1C protein (p.Ala415Val). The alanine residue is highly conserved and there is a small physicochemical difference between alanine and valine.

NM_000719.7(CACNA1C):c.1244C>T (p.Ala415Val)

Gene: CACNA1C (calcium voltage-gated channel subunit alpha1 C; plus strand). Cytogenetic location: 12p13.33.
Variant type: single nucleotide variant.
Coding change: c.1244C>T on transcript NM_000719.7 (MANE Select); coding-DNA position 1244, C replaced by T.
Protein change: p.Ala415Val; replaces alanine 415 with valine.
Molecular consequence: missense variant.
Genome position (GRCh38, 1-based): chr12:2,512,838, C>T. VCF-style: chr12-2512838-C-T. GRCh37 (hg19) VCF-style: chr12-2622004-C-T.
Other names: c.1244C>T, p.Ala415Val (NM_001129827.2, NM_001129829.2, NM_001129830.3 and 18 more transcripts); c.1235C>T, p.Ala412Val (NM_001129844.2); short protein forms A412V, A415V.
Identifiers: ClinVar variation 1044907 (VCV001044907.9), dbSNP rs2099787855, ClinGen allele CA383366953.